The following is an entry in ClinVar:

NM_001009944.3(PKD1):c.10246G>C (p.Gly3416Arg)

Gene: PKD1 (polycystin 1, transient receptor potential channel interacting; minus strand). Cytogenetic location: 16p13.3.
Variant type: single nucleotide variant.
Coding change: c.10246G>C on transcript NM_001009944.3 (MANE Select); coding-DNA position 10246, G replaced by C.
Protein change: p.Gly3416Arg; replaces glycine 3416 with arginine.
Molecular consequence: missense variant.
Genome position (GRCh38, 1-based): chr16:2,097,478, C>G on the plus strand (G>C on the coding strand, the complement: PKD1 is on the minus strand). VCF-style: chr16-2097478-C-G. GRCh37 (hg19) VCF-style: chr16-2147479-C-G.
Other names: c.10243G>C, p.Gly3415Arg (NM_000296.4); short protein forms G3415R, G3416R.
Identifiers: ClinVar variation 4853941 (VCV004853941.1).

ClinVar aggregate classification (germline): Uncertain significance (1 of 4 stars; one submission).

Conditions:
PKD1-related disorder. Also called: PKD1-related condition.

Submission:

3billion
Classification: Uncertain significance for PKD1-related disorder. Last evaluated: 2025-11-27. Review status: criteria provided, single submitter. Criteria: ACMG Guidelines, 2015. Collection method: clinical testing. Allele origin: germline. Affected: yes.
Comment: The variant is not observed in the gnomAD v4.1.0 dataset. Predicted Consequence/Location: Missense variant In silico tool predictions suggest no damaging effect of the variant on gene or gene product [REVEL: 0.21 (<0.4); 3Cnet: 0.00 (<0.1, specificity 0.84 and negative predicitive value 0.97)]. Therefore, this variant is classified as VUS according to the recommendation of ACMG/AMP guideline.